The following is an entry in ClinVar:

ClinVar aggregate classification (germline): Uncertain significance (1 of 4 stars; one submission).

Conditions:
Cardiovascular phenotype. Identifiers: MedGen CN230736.

Allele frequency attached by ClinVar (database versions not stated): ExAC 0.00001; gnomAD 0.00001; gnomAD exomes 0.00001.
gnomAD v4.1: 5 of 1,614,056 alleles (0.00031%); highest among the groups gnomAD compares: African/African-American, 0.0027%; no homozygotes.

Submission:

Ambry Genetics
Classification: Uncertain significance for Cardiovascular phenotype. Last evaluated: 2024-05-21. Review status: criteria provided, single submitter. Criteria: Ambry Variant Classification Scheme 2023. Collection method: clinical testing. Allele origin: germline.
Comment: The p.R1610K variant (also known as c.4829G>A), located in coding exon 26 of the APOB gene, results from a G to A substitution at nucleotide position 4829. The arginine at codon 1610 is replaced by lysine, an amino acid with highly similar properties. This amino acid position is conserved. In addition, this alteration is predicted to be tolerated by in silico analysis. Based on the available evidence, the clinical significance of this variant remains unclear.

NM_000384.3(APOB):c.4829G>A (p.Arg1610Lys)

Gene: APOB (apolipoprotein B; minus strand). Cytogenetic location: 2p24.1.
Variant type: single nucleotide variant.
Coding change: c.4829G>A on transcript NM_000384.3 (MANE Select); coding-DNA position 4829, G replaced by A.
Protein change: p.Arg1610Lys; replaces arginine 1610 with lysine.
Molecular consequence: missense variant.
Genome position (GRCh38, 1-based): chr2:21,012,039, C>T on the plus strand (G>A on the coding strand, the complement: APOB is on the minus strand). VCF-style: chr2-21012039-C-T. GRCh37 (hg19) VCF-style: chr2-21234911-C-T.
Other names: short protein forms R1610K.
Identifiers: ClinVar variation 3307949 (VCV003307949.1), dbSNP rs770209928.